The following is an entry in ClinVar:

NM_006567.5(FARS2):c.916G>T (p.Asp306Tyr)

Gene: FARS2 (phenylalanyl-tRNA synthetase 2, mitochondrial; plus strand). Cytogenetic location: 6p25.1.
Variant type: single nucleotide variant.
Coding change: c.916G>T on transcript NM_006567.5 (MANE Select); coding-DNA position 916, G replaced by T.
Protein change: p.Asp306Tyr; replaces aspartic acid 306 with tyrosine.
Molecular consequence: missense variant.
Genome position (GRCh38, 1-based): chr6:5,545,191, G>T. VCF-style: chr6-5545191-G-T. GRCh37 (hg19) VCF-style: chr6-5545424-G-T.
Other names: c.916G>T, p.Asp306Tyr (NM_001318872.2, NM_001374875.1, NM_001374876.1 and 4 more transcripts); c.784G>T, p.Asp262Tyr (NM_001375258.1); c.220G>T, p.Asp74Tyr (NM_001375259.1, NM_001375260.1); short protein forms D262Y, D306Y, D74Y.
Identifiers: ClinVar variation 1357000 (VCV001357000.8), dbSNP rs1354821900, ClinGen allele CA362736399.

ClinVar aggregate classification (germline): Uncertain significance (1 of 4 stars; one submission).

Conditions:
Combined oxidative phosphorylation defect type 14. Also called: Combined oxidative phosphorylation deficiency 14. Identifiers: Orphanet 319519, MedGen C4755312, MONDO:0013986, OMIM 614946.

Allele frequency attached by ClinVar (database versions not stated): gnomAD exomes below 0.00001; gnomAD 0.00001; TOPMed 0.00001.
gnomAD v4.1: 5 of 1,613,702 alleles (0.00031%); highest among the groups gnomAD compares: African/African-American, 0.0053%; no homozygotes.

Submission:

Labcorp Genetics (formerly Invitae), Labcorp
Classification: Uncertain significance for Combined oxidative phosphorylation defect type 14. Last evaluated: 2023-10-03. Review status: criteria provided, single submitter. Criteria: Invitae Variant Classification Sherloc (09022015). Collection method: clinical testing. Allele origin: germline.
Comment: This sequence change replaces aspartic acid, which is acidic and polar, with tyrosine, which is neutral and polar, at codon 306 of the FARS2 protein (p.Asp306Tyr). This variant is not present in population databases (gnomAD no frequency). This variant has not been reported in the literature in individuals affected with FARS2-related conditions. ClinVar contains an entry for this variant (Variation ID: 1357000). Advanced modeling of protein sequence and biophysical properties (such as structural, functional, and spatial information, amino acid conservation, physicochemical variation, residue mobility, and thermodynamic stability) has been performed at Invitae for this missense variant, however the output from this modeling did not meet the statistical confidence thresholds required to predict the impact of this variant on FARS2 protein function. In summary, the available evidence is currently insufficient to determine the role of this variant in disease. Therefore, it has been classified as a Variant of Uncertain Significance.